The following is an entry in ClinVar:

NM_006941.4(SOX10):c.13C>G (p.Gln5Glu)

Genes: POLR2F (RNA polymerase II, I and III subunit F; plus strand), SOX10 (SRY-box transcription factor 10; minus strand). Cytogenetic location: 22q13.1.
Variant type: single nucleotide variant.
Coding change: c.13C>G on transcript NM_006941.4 (MANE Select); coding-DNA position 13, C replaced by G.
Protein change: p.Gln5Glu; replaces glutamine 5 with glutamic acid.
Molecular consequence: missense variant. On other transcripts: intron variant (3).
Genome position (GRCh38, 1-based): chr22:37,983,772, G>C on the plus strand (C>G on the coding strand, the complement: SOX10 is on the minus strand). VCF-style: chr22-37983772-G-C. GRCh37 (hg19) VCF-style: chr22-38379779-G-C.
Other names: c.*38+11462G>C (NM_001363825.1); c.294-2382G>C (NM_001301130.2); c.293+16602G>C (NM_001301131.2); short protein forms Q5E.
Identifiers: ClinVar variation 3030613 (VCV003030613.2), dbSNP rs2518053075, ClinGen allele CA411502512.
Genomic context (GRCh38, chr22:37,983,772, plus strand): 5'-GGGACAGGCAGCGGGGCTCCTCCGAGCCCACGGGGCTCAGCTCCACCTCCGATAGGTCCT[G>C]CTCCTCCGCCATGTCGCCCCCGGCCGCCGCCGCCGCCGCCTCGGCCGCCTCCCCCGGGCC-3'
Protein context (NP_008872.1, residues 1-15): MAEE[Gln5Glu]DLSEVELSPV

ClinVar aggregate classification (germline): Uncertain significance (0 of 4 stars; one submission).

Conditions:
SOX10-related disorder. Also called: SOX10-related condition.

Submission:

PreventionGenetics, part of Exact Sciences
Classification: Uncertain significance for SOX10-related condition. Last evaluated: 2023-10-18. Review status: no assertion criteria provided. Collection method: clinical testing. Allele origin: germline.
Comment: The SOX10 c.13C>G variant is predicted to result in the amino acid substitution p.Gln5Glu. To our knowledge, this variant has not been reported in the literature or in a large population database, indicating this variant is rare. At this time, the clinical significance of this variant is uncertain due to the absence of conclusive functional and genetic evidence.